The following is an entry in ClinVar:

NM_000168.6(GLI3):c.3164G>A (p.Gly1055Asp)

Gene: GLI3 (GLI family zinc finger 3; minus strand). Cytogenetic location: 7p14.1.
Variant type: single nucleotide variant.
Coding change: c.3164G>A on transcript NM_000168.6 (MANE Select); coding-DNA position 3164, G replaced by A.
Protein change: p.Gly1055Asp; replaces glycine 1055 with aspartic acid.
Molecular consequence: missense variant.
Genome position (GRCh38, 1-based): chr7:41,965,909, C>T on the plus strand (G>A on the coding strand, the complement: GLI3 is on the minus strand). VCF-style: chr7-41965909-C-T. GRCh37 (hg19) VCF-style: chr7-42005507-C-T.
Other names: short protein forms G1055D.
Identifiers: ClinVar variation 4794986 (VCV004794986.1).

ClinVar aggregate classification (germline): Uncertain significance (1 of 4 stars; one submission).

Conditions:
Pallister-Hall syndrome (PHS). Also called: HYPOTHALAMIC HAMARTOBLASTOMA, HYPOPITUITARISM, IMPERFORATE ANUS, AND POSTAXIAL POLYDACTYLY; GLI3-Related Pallister-Hall Syndrome. Identifiers: Orphanet 672, MedGen C0265220, MONDO:0007804, OMIM 146510.
Greig cephalopolysyndactyly syndrome (GCPS). Also called: POLYSYNDACTYLY WITH PECULIAR SKULL SHAPE; Greig syndrome; GLI3-Related Greig Cephalopolysyndactyly Syndrome. Identifiers: Orphanet 380, MedGen C0265306, MONDO:0008287, OMIM 175700.

gnomAD v4.1: 3 of 1,613,572 alleles (0.00019%); highest among the groups gnomAD compares: Non-Finnish European, 0.00025%; no homozygotes.

Submission:

Labcorp Genetics (formerly Invitae), Labcorp
Classification: Uncertain significance for Pallister-Hall syndrome; Greig cephalopolysyndactyly syndrome. Last evaluated: 2025-11-14. Review status: criteria provided, single submitter. Criteria: Invitae Variant Classification Sherloc (09022015). Collection method: clinical testing. Allele origin: germline.
Comment: This sequence change replaces glycine, which is neutral and non-polar, with aspartic acid, which is acidic and polar, at codon 1055 of the GLI3 protein (p.Gly1055Asp). This variant is not present in population databases (gnomAD no frequency). This variant has not been reported in the literature in individuals affected with GLI3-related conditions. Invitae Evidence Modeling of protein sequence and biophysical properties (such as structural, functional, and spatial information, amino acid conservation, physicochemical variation, residue mobility, and thermodynamic stability) indicates that this missense variant is not expected to disrupt GLI3 protein function with a negative predictive value of 95%. In summary, the available evidence is currently insufficient to determine the role of this variant in disease. Therefore, it has been classified as a Variant of Uncertain Significance.